The following is an entry in ClinVar:

ClinVar aggregate classification (germline): Uncertain significance (1 of 4 stars; one submission).

Allele frequency attached by ClinVar (database versions not stated): ExAC 0.00001; TOPMed 0.00001; gnomAD 0.00002.
gnomAD v4.1: 15 of 1,613,634 alleles (0.00093%); highest among the groups gnomAD compares: South Asian, 0.0011%; no homozygotes.

Submission:

CeGaT Center for Human Genetics Tuebingen
Classification: Uncertain significance. Last evaluated: 2022-11-01. Review status: criteria provided, single submitter. Criteria: CeGaT Center For Human Genetics Tuebingen Variant Classification Criteria Version 2. Collection method: clinical testing. Allele origin: germline. Affected: yes. Observed: 1 variant allele.
Comment: ADCY5: PM2, PP2, BP4

NM_183357.3(ADCY5):c.2896G>A (p.Ala966Thr)

Gene: ADCY5 (adenylate cyclase 5; minus strand). Cytogenetic location: 3q21.1.
Variant type: single nucleotide variant.
Coding change: c.2896G>A on transcript NM_183357.3 (MANE Select); coding-DNA position 2896, G replaced by A.
Protein change: p.Ala966Thr; replaces alanine 966 with threonine.
Molecular consequence: missense variant.
Genome position (GRCh38, 1-based): chr3:123,300,124, C>T on the plus strand (G>A on the coding strand, the complement: ADCY5 is on the minus strand). VCF-style: chr3-123300124-C-T. GRCh37 (hg19) VCF-style: chr3-123018971-C-T.
Other names: c.1846G>A, p.Ala616Thr (NM_001199642.1); c.2896G>A, p.Ala966Thr (NM_001378259.1); short protein forms A616T, A966T.
Identifiers: ClinVar variation 2654076 (VCV002654076.24), dbSNP rs747567385, ClinGen allele CA2576960.